The following is an entry in ClinVar:

NM_003709.4(KLF7):c.892A>G (p.Met298Val)

Gene: KLF7 (KLF transcription factor 7; minus strand). Cytogenetic location: 2q33.3.
Variant type: single nucleotide variant.
Coding change: c.892A>G on transcript NM_003709.4 (MANE Select); coding-DNA position 892, A replaced by G.
Protein change: p.Met298Val; replaces methionine 298 with valine.
Molecular consequence: missense variant. On other transcripts: synonymous variant (1), non-coding transcript variant (1).
Genome position (GRCh38, 1-based): chr2:207,081,230, T>C on the plus strand (A>G on the coding strand, the complement: KLF7 is on the minus strand). VCF-style: chr2-207081230-T-C. GRCh37 (hg19) VCF-style: chr2-207945954-T-C.
Other names: c.690A>G, p.Thr230= (NM_001270942.1); c.793A>G, p.Met265Val (NM_001270943.2); c.808A>G, p.Met270Val (NM_001270944.2); short protein forms M265V, M270V, M298V.
Identifiers: ClinVar variation 3372127 (VCV003372127.1).

ClinVar aggregate classification (germline): Uncertain significance (1 of 4 stars; one submission).

gnomAD v4.1: 1 of 1,614,140 alleles (0.000062%); highest among the groups gnomAD compares: East Asian, 0.0022%; no homozygotes.

Submission:

GeneDx
Classification: Uncertain significance. Last evaluated: 2024-04-15. Review status: criteria provided, single submitter. Criteria: GeneDx Variant Classification Process June 2021. Collection method: clinical testing. Allele origin: germline. Affected: yes.
Comment: Not observed at significant frequency in large population cohorts (gnomAD); In silico analysis supports that this missense variant has a deleterious effect on protein structure/function; Has not been previously published as pathogenic or benign to our knowledge